The following is an entry in ClinVar:

NM_001164508.2(NEB):c.1544A>G (p.Gln515Arg)

Gene: NEB (nebulin; minus strand). Cytogenetic location: 2q23.3.
Variant type: single nucleotide variant.
Coding change: c.1544A>G on transcript NM_001164508.2 (MANE Select); coding-DNA position 1544, A replaced by G.
Protein change: p.Gln515Arg; replaces glutamine 515 with arginine.
Molecular consequence: missense variant.
Genome position (GRCh38, 1-based): chr2:151,696,662, T>C on the plus strand (A>G on the coding strand, the complement: NEB is on the minus strand). VCF-style: chr2-151696662-T-C. GRCh37 (hg19) VCF-style: chr2-152553176-T-C.
Other names: c.1544A>G (NM_004543.4); c.1544A>G, p.Gln515Arg (NM_001164507.2, NM_001271208.2, NM_004543.5); short protein forms Q515R.
Identifiers: ClinVar variation 1017862 (VCV001017862.37), dbSNP rs368150737, ClinGen allele CA1911545.

ClinVar aggregate classification (germline): Conflicting classifications of pathogenicity. Review status: criteria provided, conflicting classifications (1 of 4 stars). 6 submissions from 6 submitters: Uncertain significance (4); Likely benign (1). 1 of the submissions does not count toward it. Last evaluated 2026-01-11.

Conditions:
Nemaline myopathy 2 (NEM2). Also called: Nemaline myopathy 2, autosomal recessive. Identifiers: MedGen C1850569, MONDO:0009725, OMIM 256030.
Arthrogryposis multiplex congenita 6. Identifiers: MedGen C5543431, MONDO:0030281, OMIM 619334.
Inborn genetic diseases. Identifiers: MedGen C0950123, MeSH D030342.

Allele frequency attached by ClinVar (database versions not stated): gnomAD exomes 0.00006; ExAC 0.00007; ESP Exome Variant Server 0.00008; TOPMed 0.00009; gnomAD 0.00013 and 0.00014.
gnomAD v4.1: 104 of 1,613,636 alleles (0.0064%); highest among the groups gnomAD compares: Non-Finnish European, 0.0081%; no homozygotes.

Submissions (6):

Labcorp Genetics (formerly Invitae), Labcorp
Classification: Likely benign for Nemaline myopathy 2. Last evaluated: 2026-01-11. Review status: criteria provided, single submitter. Criteria: Invitae Variant Classification Sherloc (09022015). Collection method: clinical testing. Allele origin: germline.

CeGaT Center for Human Genetics Tuebingen
Classification: Uncertain significance. Last evaluated: 2025-12-01. Review status: criteria provided, single submitter. Criteria: CeGaT Center For Human Genetics Tuebingen Variant Classification Criteria Version 2. Collection method: clinical testing. Allele origin: germline. Affected: yes. Observed: 2 variant alleles.
Comment: NEB: PM2, BP4

Ambry Genetics
Classification: Uncertain significance for Inborn genetic diseases. Last evaluated: 2024-03-11. Review status: criteria provided, single submitter. Criteria: Ambry Variant Classification Scheme 2023. Collection method: clinical testing. Allele origin: germline.

Revvity Omics, Revvity
Classification: Uncertain significance. Last evaluated: 2023-10-17. Review status: criteria provided, single submitter. Criteria: ACMG Guidelines, 2015. Collection method: clinical testing. Allele origin: germline.

Fulgent Genetics
Classification: Uncertain significance for Nemaline myopathy 2; Arthrogryposis multiplex congenita 6. Last evaluated: 2022-05-26. Review status: criteria provided, single submitter. Criteria: ACMG Guidelines, 2015. Collection method: clinical testing. Allele origin: unknown.

Natera, Inc.
Classification: Uncertain significance for Nemaline myopathy type 2. Last evaluated: 2020-04-08. Review status: no assertion criteria provided. Collection method: clinical testing. Allele origin: germline. Not counted in ClinVar's aggregate classification.